The following is an entry in ClinVar:

NM_000399.5(EGR2):c.844G>A (p.Gly282Arg)

Gene: EGR2 (early growth response 2; minus strand). Cytogenetic location: 10q21.3.
Variant type: single nucleotide variant.
Coding change: c.844G>A on transcript NM_000399.5 (MANE Select); coding-DNA position 844, G replaced by A.
Protein change: p.Gly282Arg; replaces glycine 282 with arginine.
Molecular consequence: missense variant.
Genome position (GRCh38, 1-based): chr10:62,813,794, C>T on the plus strand (G>A on the coding strand, the complement: EGR2 is on the minus strand). VCF-style: chr10-62813794-C-T. GRCh37 (hg19) VCF-style: chr10-64573554-C-T.
Other names: c.844G>A, p.Gly282Arg (NM_001136177.3, NM_001136178.2); c.694G>A, p.Gly232Arg (NM_001136179.3, NM_001321037.2); c.883G>A, p.Gly295Arg (NM_001410931.1); short protein forms G295R, G282R, G232R.
Identifiers: ClinVar variation 2803993 (VCV002803993.3), dbSNP rs1449637341, ClinGen allele CA377028615.

ClinVar aggregate classification (germline): Uncertain significance (1 of 4 stars; one submission).

Conditions:
Charcot-Marie-Tooth disease, type I (CMT1). Also called: Charcot-Marie-Tooth disease type 1; Charcot-Marie-Tooth, Type 1. Identifiers: Orphanet 65753, MedGen C0751036, MONDO:0019011.

Allele frequency attached by ClinVar (database versions not stated): gnomAD exomes 0.00001.
gnomAD v4.1: 6 of 1,613,348 alleles (0.00037%); highest among the groups gnomAD compares: East Asian, 0.0022%; no homozygotes.

Submission:

Labcorp Genetics (formerly Invitae), Labcorp
Classification: Uncertain significance for Charcot-Marie-Tooth disease, type I. Last evaluated: 2023-07-17. Review status: criteria provided, single submitter. Criteria: Invitae Variant Classification Sherloc (09022015). Collection method: clinical testing. Allele origin: germline.
Comment: In summary, the available evidence is currently insufficient to determine the role of this variant in disease. Therefore, it has been classified as a Variant of Uncertain Significance. Advanced modeling of protein sequence and biophysical properties (such as structural, functional, and spatial information, amino acid conservation, physicochemical variation, residue mobility, and thermodynamic stability) has been performed at Invitae for this missense variant, however the output from this modeling did not meet the statistical confidence thresholds required to predict the impact of this variant on EGR2 protein function. This variant has not been reported in the literature in individuals affected with EGR2-related conditions. This variant is present in population databases (no rsID available, gnomAD 0.003%). This sequence change replaces glycine, which is neutral and non-polar, with arginine, which is basic and polar, at codon 282 of the EGR2 protein (p.Gly282Arg).